The following is an entry in ClinVar:

NM_001200.4(BMP2):c.211A>G (p.Arg71Gly)

Gene: BMP2 (bone morphogenetic protein 2; plus strand). Cytogenetic location: 20p12.3.
Variant type: single nucleotide variant.
Coding change: c.211A>G on transcript NM_001200.4 (MANE Select); coding-DNA position 211, A replaced by G.
Protein change: p.Arg71Gly; replaces arginine 71 with glycine.
Molecular consequence: missense variant.
Genome position (GRCh38, 1-based): chr20:6,770,337, A>G. VCF-style: chr20-6770337-A-G. GRCh37 (hg19) VCF-style: chr20-6750984-A-G.
Other names: short protein forms R71G.
Identifiers: ClinVar variation 4989521 (VCV004989521.1).

ClinVar aggregate classification (germline): Uncertain significance (1 of 4 stars; one submission).

Conditions:
BMP2-related disorder. Also called: BMP2-related condition.

Submission:

PreventionGenetics, part of Exact Sciences
Classification: Uncertain significance for BMP2-related condition. Last evaluated: 2025-07-31. Review status: criteria provided, single submitter. Criteria: ACMG Guidelines, 2015. Collection method: clinical testing. Allele origin: germline.
Comment: The BMP2 c.211A>G variant is predicted to result in the amino acid substitution p.Arg71Gly. To our knowledge, this variant has not been reported in the literature or in a large population database (gnomAD), indicating this variant is rare. At this time, the clinical significance of this variant is uncertain due to the absence of conclusive functional and genetic evidence.